The following is an entry in ClinVar:

ClinVar aggregate classification (germline): Uncertain significance (1 of 4 stars; one submission).

Conditions:
Early Myoclonic Encephalopathy. Identifiers: MedGen C0270855.

Submission:

Labcorp Genetics (formerly Invitae), Labcorp
Classification: Uncertain significance for Early Myoclonic Encephalopathy. Last evaluated: 2024-07-19. Review status: criteria provided, single submitter. Criteria: Invitae Variant Classification Sherloc (09022015). Collection method: clinical testing. Allele origin: germline.
Comment: This sequence change replaces glutamic acid, which is acidic and polar, with lysine, which is basic and polar, at codon 486 of the KCND2 protein (p.Glu486Lys). This variant is not present in population databases (gnomAD no frequency). This variant has not been reported in the literature in individuals affected with KCND2-related conditions. Advanced modeling of protein sequence and biophysical properties (such as structural, functional, and spatial information, amino acid conservation, physicochemical variation, residue mobility, and thermodynamic stability) performed at Invitae indicates that this missense variant is not expected to disrupt KCND2 protein function with a negative predictive value of 80%. In summary, the available evidence is currently insufficient to determine the role of this variant in disease. Therefore, it has been classified as a Variant of Uncertain Significance.

NM_012281.3(KCND2):c.1456G>A (p.Glu486Lys)

Gene: KCND2 (potassium voltage-gated channel subfamily D member 2; plus strand). Cytogenetic location: 7q31.31.
Variant type: single nucleotide variant.
Coding change: c.1456G>A on transcript NM_012281.3 (MANE Select); coding-DNA position 1456, G replaced by A.
Protein change: p.Glu486Lys; replaces glutamic acid 486 with lysine.
Molecular consequence: missense variant.
Genome position (GRCh38, 1-based): chr7:120,742,591, G>A. VCF-style: chr7-120742591-G-A. GRCh37 (hg19) VCF-style: chr7-120382645-G-A.
Other names: short protein forms E486K.
Identifiers: ClinVar variation 2861956 (VCV002861956.3), dbSNP rs2485209814, ClinGen allele CA369134750.